The following is an entry in ClinVar:

NM_005845.5(ABCC4):c.2176-2A>G

Gene: ABCC4 (ATP binding cassette subfamily C member 4 (PEL blood group); minus strand). Cytogenetic location: 13q32.1.
Variant type: single nucleotide variant.
Coding change: c.2176-2A>G on transcript NM_005845.5 (MANE Select); the canonical splice acceptor site of the intron before coding-DNA position 2176, A replaced by G.
Molecular consequence: splice acceptor variant.
Genome position (GRCh38, 1-based): chr13:95,163,649, T>C on the plus strand (A>G on the coding strand, the complement: ABCC4 is on the minus strand). VCF-style: chr13-95163649-T-C. GRCh37 (hg19) VCF-style: chr13-95815903-T-C.
Other names: p.?; c.2035-2A>G (NM_001301829.2); c.1951-2A>G (NM_001301830.2); c.2176-2A>G (NM_001105515.3).
Identifiers: ClinVar variation 4541788 (VCV004541788.1).

ClinVar aggregate classification (germline): Uncertain significance (1 of 4 stars; one submission).

Submission:

Mayo Clinic Laboratories, Mayo Clinic
Classification: Uncertain significance. Last evaluated: 2025-01-13. Review status: criteria provided, single submitter. Criteria: ACMG Guidelines, 2015. Collection method: clinical testing. Allele origin: germline. Observed: 1 variant allele.
Comment: PM2_supporting